The following is an entry in ClinVar:

NM_182706.5(SCRIB):c.3816C>T (p.Ala1272=)

Gene: SCRIB (scribble planar cell polarity protein; minus strand). Cytogenetic location: 8q24.3.
Variant type: single nucleotide variant.
Coding change: c.3816C>T on transcript NM_182706.5 (MANE Select); coding-DNA position 3816, C replaced by T.
Protein change: p.Ala1272=; no amino-acid change (alanine 1272 retained).
Molecular consequence: synonymous variant.
Genome position (GRCh38, 1-based): chr8:143,795,068, G>A on the plus strand (C>T on the coding strand, the complement: SCRIB is on the minus strand). VCF-style: chr8-143795068-G-A. GRCh37 (hg19) VCF-style: chr8-144877238-G-A.
Other names: c.3816C>T, p.Ala1272= (NM_015356.5).
Identifiers: ClinVar variation 3341745 (VCV003341745.16).

ClinVar aggregate classification (germline): Likely benign (1 of 4 stars; one submission).

gnomAD v4.1: 435 of 1,611,156 alleles (0.027%); highest among the groups gnomAD compares: Non-Finnish European, 0.028%; no homozygotes.

Submission:

CeGaT Center for Human Genetics Tuebingen
Classification: Likely benign. Last evaluated: 2024-09-01. Review status: criteria provided, single submitter. Criteria: CeGaT Center For Human Genetics Tuebingen Variant Classification Criteria Version 2. Collection method: clinical testing. Allele origin: germline. Affected: yes. Observed: 1 variant allele.
Comment: SCRIB: BP4, BP7